The following is an entry in ClinVar:

ClinVar aggregate classification (germline): Uncertain significance (1 of 4 stars; one submission).

Allele frequency attached by ClinVar (database versions not stated): gnomAD exomes below 0.00001.
gnomAD v4.1: 2 of 1,614,018 alleles (0.00012%); highest among the groups gnomAD compares: East Asian, 0.0045%; no homozygotes.

Submission:

GeneDx
Classification: Uncertain significance. Last evaluated: 2019-07-29. Review status: criteria provided, single submitter. Criteria: GeneDx Variant Classification Process June 2021. Collection method: clinical testing. Allele origin: germline. Affected: yes.
Comment: Not observed in large population cohorts (Lek et al., 2016); In silico analysis, which includes protein predictors and evolutionary conservation, supports that this variant does not alter protein structure/function; Has not been previously published as pathogenic or benign to our knowledge

NM_001270.4(CHD1):c.674A>G (p.Tyr225Cys)

Gene: CHD1 (chromodomain helicase DNA binding protein 1; minus strand). Cytogenetic location: 5q21.1.
Variant type: single nucleotide variant.
Coding change: c.674A>G on transcript NM_001270.4 (MANE Select); coding-DNA position 674, A replaced by G.
Protein change: p.Tyr225Cys; replaces tyrosine 225 with cysteine.
Molecular consequence: missense variant. On other transcripts: non-coding transcript variant (2).
Genome position (GRCh38, 1-based): chr5:98,900,996, T>C on the plus strand (A>G on the coding strand, the complement: CHD1 is on the minus strand). VCF-style: chr5-98900996-T-C. GRCh37 (hg19) VCF-style: chr5-98236700-T-C.
Other names: c.674A>G, p.Tyr225Cys (NM_001364113.3, NM_001376194.2); short protein forms Y225C.
Identifiers: ClinVar variation 1307199 (VCV001307199.2), dbSNP rs1751664784, ClinGen allele CA360521867.